The following is an entry in ClinVar:

NM_000088.4(COL1A1):c.3207+1G>C

Gene: COL1A1 (collagen type I alpha 1 chain; minus strand). Cytogenetic location: 17q21.33.
Variant type: single nucleotide variant.
Coding change: c.3207+1G>C on transcript NM_000088.4 (MANE Select); the canonical splice donor site of the intron after coding-DNA position 3207, G replaced by C.
Molecular consequence: splice donor variant.
Genome position (GRCh38, 1-based): chr17:50,188,529, C>G on the plus strand (G>C on the coding strand, the complement: COL1A1 is on the minus strand). VCF-style: chr17-50188529-C-G. GRCh37 (hg19) VCF-style: chr17-48265890-C-G.
Identifiers: ClinVar variation 456764 (VCV000456764.11), dbSNP rs1555572239, ClinGen allele CA400200495.

ClinVar aggregate classification (germline): Pathogenic/Likely pathogenic. Review status: criteria provided, multiple submitters, no conflicts (2 of 4 stars). 3 submissions from 3 submitters: Pathogenic (1); Likely pathogenic (2). Last evaluated 2024-06-06.

Conditions:
COL1A1-related disorder. Also called: COL1A1-related condition; COL1A1- related disease.
Osteogenesis imperfecta type I (OI1). Also called: OI, TYPE I; OSTEOGENESIS IMPERFECTA TARDA; OSTEOGENESIS IMPERFECTA WITH BLUE SCLERAE; Osteogenesis imperfecta type 1; Classic Non-deforming Osteogenesis Imperfecta with Blue Sclerae; Lobstein's Disease. Identifiers: Orphanet 216796, Orphanet 666, MedGen C0023931, MONDO:0008146, OMIM 166200. Disease mechanism: loss of function.

Submissions (3):

Blueprint Genetics
Classification: Likely pathogenic for COL1A1-related disorders. Last evaluated: 2024-06-06. Review status: criteria provided, single submitter. Criteria: ACMG Guidelines, 2015. Collection method: clinical testing. Allele origin: germline. Affected: yes. Observed: 1 variant allele.

PreventionGenetics, part of Exact Sciences
Classification: Likely pathogenic for COL1A1-related condition. Last evaluated: 2023-08-04. Review status: criteria provided, single submitter. Criteria: ACMG Guidelines, 2015. Collection method: clinical testing. Allele origin: germline.
Comment: The COL1A1 c.3207+1G>C variant is predicted to disrupt the GT donor site and interfere with normal splicing. To our knowledge, this variant has not been reported in the literature or in a large population database, indicating it is rare. Variants that disrupt consensus splice donor sites in COL1A1 are expected to be pathogenic (Schleit et al. 2015. PubMed ID: 25963598). This variant is interpreted as likely pathogenic.

Labcorp Genetics (formerly Invitae), Labcorp
Classification: Pathogenic for Osteogenesis imperfecta type I. Last evaluated: 2020-06-12. Review status: criteria provided, single submitter. Criteria: Invitae Variant Classification Sherloc (09022015). Collection method: clinical testing. Allele origin: germline.
Comment: This sequence change affects a donor splice site in intron 43 of the COL1A1 gene. It is expected to disrupt RNA splicing and likely results in an absent or disrupted protein product. This variant is not present in population databases (ExAC no frequency). Disruption of this splice site has been observed in individuals and families with osteogenesis imperfecta (PMID:25963598, 22565191, 27509835). ClinVar contains an entry for this variant (Variation ID: 456764). Experimental studies have shown that disruption of this splice site affects mRNA splicing (PMID:22565191). Donor and acceptor splice site variants typically lead to a loss of protein function (PMID: 16199547), and loss-of-function variants in COL1A1 are known to be pathogenic (PMID: 7942841, 9295084, 9443882). For these reasons, this variant has been classified as Pathogenic.

Literature cited by the submitters: PubMed 25963598 (cited by Labcorp Genetics (formerly Invitae), Labcorp); PubMed 22565191 (cited by Labcorp Genetics (formerly Invitae), Labcorp); PubMed 27509835 (cited by Labcorp Genetics (formerly Invitae), Labcorp); PubMed 16199547 (cited by Labcorp Genetics (formerly Invitae), Labcorp); PubMed 7942841 (cited by Labcorp Genetics (formerly Invitae), Labcorp); PubMed 9295084 (cited by Labcorp Genetics (formerly Invitae), Labcorp); PubMed 9443882 (cited by Labcorp Genetics (formerly Invitae), Labcorp).